The following is an entry in ClinVar:

NM_004415.4(DSP):c.1187A>C (p.Gln396Pro)

Gene: DSP (desmoplakin; plus strand). Cytogenetic location: 6p24.3.
Variant type: single nucleotide variant.
Coding change: c.1187A>C on transcript NM_004415.4 (MANE Select); coding-DNA position 1187, A replaced by C.
Protein change: p.Gln396Pro; replaces glutamine 396 with proline.
Molecular consequence: missense variant.
Genome position (GRCh38, 1-based): chr6:7,567,827, A>C. VCF-style: chr6-7567827-A-C. GRCh37 (hg19) VCF-style: chr6-7568060-A-C.
Other names: c.1187A>C, p.Gln396Pro (NM_001008844.3, NM_001319034.2, NM_001406591.1); short protein forms Q396P.
Identifiers: ClinVar variation 3752485 (VCV003752485.4).

ClinVar aggregate classification (germline): Uncertain significance. Review status: criteria provided, multiple submitters, no conflicts (2 of 4 stars). 3 submissions from 3 submitters: Uncertain significance (3). Last evaluated 2025-08-30.

Conditions:
Arrhythmogenic cardiomyopathy with wooly hair and keratoderma. Also called: Dilated cardiomyopathy with woolly hair and keratoderma; PALMOPLANTAR KERATODERMA WITH LEFT VENTRICULAR CARDIOMYOPATHY AND WOOLLY HAIR; Carvajal syndrome; Arrhythmogenic cardiomyopathy with woolly hair and keratoderma. Identifiers: Orphanet 65282, MedGen C1854063, MONDO:0011581, OMIM 605676.
Arrhythmogenic right ventricular dysplasia 8 (ARVD8). Also called: Arrhythmogenic Right Ventricular Dysplasia/Cardiomyopathy 8; ARRHYTHMOGENIC RIGHT VENTRICULAR DYSPLASIA, FAMILIAL, 8; ARRHYTHMOGENIC RIGHT VENTRICULAR CARDIOMYOPATHY 8. Identifiers: MedGen C1843896, MONDO:0011831, OMIM 607450.
Cardiovascular phenotype. Identifiers: MedGen CN230736.

Submissions (3):

Ambry Genetics
Classification: Uncertain significance for Cardiovascular phenotype. Last evaluated: 2025-08-30. Review status: criteria provided, single submitter. Criteria: Ambry Variant Classification Scheme 2023. Collection method: clinical testing. Allele origin: germline.
Comment: The p.Q396P variant (also known as c.1187A>C), located in coding exon 10 of the DSP gene, results from an A to C substitution at nucleotide position 1187. The glutamine at codon 396 is replaced by proline, an amino acid with similar properties. This amino acid position is conserved. In addition, the in silico prediction for this alteration is inconclusive. Based on the available evidence, the clinical significance of this variant remains unclear.

GeneDx
Classification: Uncertain significance. Last evaluated: 2025-02-22. Review status: criteria provided, single submitter. Criteria: GeneDx Variant Classification Process June 2021. Collection method: clinical testing. Allele origin: germline. Affected: yes.
Comment: Not observed at significant frequency in large population cohorts (gnomAD); In silico analysis supports that this missense variant has a deleterious effect on protein structure/function; Has not been previously published as pathogenic or benign to our knowledge

Labcorp Genetics (formerly Invitae), Labcorp
Classification: Uncertain significance for Arrhythmogenic cardiomyopathy with wooly hair and keratoderma; Arrhythmogenic right ventricular dysplasia 8. Last evaluated: 2024-02-06. Review status: criteria provided, single submitter. Criteria: Invitae Variant Classification Sherloc (09022015). Collection method: clinical testing. Allele origin: germline.
Comment: This sequence change replaces glutamine, which is neutral and polar, with proline, which is neutral and non-polar, at codon 396 of the DSP protein (p.Gln396Pro). This variant is not present in population databases (gnomAD no frequency). This variant has not been reported in the literature in individuals affected with DSP-related conditions. An algorithm developed to predict the effect of missense changes on protein structure and function (PolyPhen-2) suggests that this variant is likely to be disruptive. In summary, the available evidence is currently insufficient to determine the role of this variant in disease. Therefore, it has been classified as a Variant of Uncertain Significance.